The following is an entry in ClinVar:

NM_021616.6(TRIM34):c.-5G>A

Genes: TRIM34 (tripartite motif containing 34; plus strand), TRIM5 (tripartite motif containing 5; minus strand), LOC130005185 (ATAC-STARR-seq lymphoblastoid active region 4330; plus strand). Cytogenetic location: 11p15.4.
Variant type: single nucleotide variant.
Coding change: c.-5G>A on transcript NM_021616.6 (MANE Select); 5 bases upstream of the start codon, G replaced by A.
Molecular consequence: 5 prime UTR variant. On other transcripts: missense variant (1).
Genome position (GRCh38, 1-based): chr11:5,632,327, G>A. VCF-style: chr11-5632327-G-A. GRCh37 (hg19) VCF-style: chr11-5653557-G-A.
Other names: c.-5G>A (NM_130390.2, NM_001003827.1); c.1058G>A, p.Ser353Asn (NM_001003819.4); short protein forms S353N.
Identifiers: ClinVar variation 161478 (VCV000161478.2), dbSNP rs193920907, ClinGen allele CA174108.

ClinVar aggregate classification (germline): Uncertain significance (0 of 4 stars; one submission).

Conditions:
Prostate cancer. Also called: Malignant tumor of prostate. Identifiers: Orphanet 1331, MedGen C0376358, MONDO:0008315, HP:0012125.

Allele frequency attached by ClinVar (database versions not stated): TOPMed below 0.00001.

Submission:

Science for Life laboratory,  Karolinska Institutet
Classification: Uncertain significance for Malignant tumor of prostate. Review status: no assertion criteria provided. Collection method: not provided. Allele origin: somatic.
Comment: TumorID:SWE-19
ClinVar note: Converted during submission from Unknown to Uncertain significance.